The following is an entry in ClinVar:

ClinVar aggregate classification (germline): Uncertain significance (1 of 4 stars; one submission).

Allele frequency attached by ClinVar (database versions not stated): gnomAD exomes 0.00004; TOPMed 0.00004; gnomAD 0.00005; ExAC 0.00007; 1000 Genomes Project 0.00020; 1000 Genomes Project 30x 0.00031.
gnomAD v4.1: 70 of 1,613,848 alleles (0.0043%); highest among the groups gnomAD compares: South Asian, 0.057%; no homozygotes.

Submission:

Labcorp Genetics (formerly Invitae), Labcorp
Classification: Uncertain significance. Last evaluated: 2025-04-10. Review status: criteria provided, single submitter. Criteria: Invitae Variant Classification Sherloc (09022015). Collection method: clinical testing. Allele origin: germline.
Comment: This sequence change replaces arginine, which is basic and polar, with tryptophan, which is neutral and slightly polar, at codon 5509 of the HMCN1 protein (p.Arg5509Trp). This variant is present in population databases (rs574260204, gnomAD 0.06%), and has an allele count higher than expected for a pathogenic variant. This variant has not been reported in the literature in individuals affected with HMCN1-related conditions. ClinVar contains an entry for this variant (Variation ID: 1921483). An algorithm developed to predict the effect of missense changes on protein structure and function (PolyPhen-2) suggests that this variant is likely to be disruptive. In summary, the available evidence is currently insufficient to determine the role of this variant in disease. Therefore, it has been classified as a Variant of Uncertain Significance.

NM_031935.3(HMCN1):c.16525C>T (p.Arg5509Trp)

Genes: HMCN1 (hemicentin 1; plus strand), LOC126805953 (P300/CBP strongly-dependent group 1 enhancer GRCh37_chr1:186156636-186157835; plus strand). Cytogenetic location: 1q31.1.
Variant type: single nucleotide variant.
Coding change: c.16525C>T on transcript NM_031935.3 (MANE Select); coding-DNA position 16525, C replaced by T.
Protein change: p.Arg5509Trp; replaces arginine 5509 with tryptophan.
Molecular consequence: missense variant.
Genome position (GRCh38, 1-based): chr1:186,187,993, C>T. VCF-style: chr1-186187993-C-T. GRCh37 (hg19) VCF-style: chr1-186157125-C-T.
Other names: short protein forms R5509W.
Identifiers: ClinVar variation 1921483 (VCV001921483.5), dbSNP rs574260204, ClinGen allele CA1295586.
Genomic context (GRCh38, chr1:186,187,993, plus strand): 5'-TGCTTCAACATGAGAGGAAGCTACCAGTGCATCGATACACCCTGTCCACCCAACTACCAA[C>T]GGGATCCTGTTTCAGGGTATGTCTTGCCTTCTCATCCCAGACATGCTTTTGAAAATCCTT-3'
Protein context (NP_114141.2, residues 5499-5519): IDTPCPPNYQ[Arg5509Trp]DPVSGFCLKN